The following is an entry in ClinVar:

NM_000218.3(KCNQ1):c.959C>G (p.Pro320Arg)

Gene: KCNQ1 (potassium voltage-gated channel subfamily Q member 1; plus strand). Cytogenetic location: 11p15.5.
Variant type: single nucleotide variant.
Coding change: c.959C>G on transcript NM_000218.3 (MANE Select); coding-DNA position 959, C replaced by G.
Protein change: p.Pro320Arg; replaces proline 320 with arginine.
Molecular consequence: missense variant.
Genome position (GRCh38, 1-based): chr11:2,583,472, C>G. VCF-style: chr11-2583472-C-G. GRCh37 (hg19) VCF-style: chr11-2604702-C-G.
Other names: c.959C>G, p.Pro320Arg (NM_001406836.1); c.689C>G, p.Pro230Arg (NM_001406837.1); c.515C>G, p.Pro172Arg (NM_001406838.1); c.578C>G, p.Pro193Arg (NM_181798.2); short protein forms P230R, P193R, P320R, P172R.
Identifiers: ClinVar variation 2126605 (VCV002126605.7), dbSNP rs199473470, ClinGen allele CA379133002.

ClinVar aggregate classification (germline): Conflicting classifications of pathogenicity. Review status: criteria provided, conflicting classifications (1 of 4 stars). 2 submissions from 2 submitters: Likely pathogenic (1); Uncertain significance (1). Last evaluated 2023-03-10.

Conditions:
Long QT syndrome (LQTS). Identifiers: MedGen C0023976, MeSH D008133, MONDO:0002442. Disease mechanism: loss of function. Inheritance: Various modes of inheritance.

Submissions (2):

Labcorp Genetics (formerly Invitae), Labcorp
Classification: Likely pathogenic for Long QT syndrome. Last evaluated: 2023-03-10. Review status: criteria provided, single submitter. Criteria: Invitae Variant Classification Sherloc (09022015). Collection method: clinical testing. Allele origin: germline.
Comment: Advanced modeling of protein sequence and biophysical properties (such as structural, functional, and spatial information, amino acid conservation, physicochemical variation, residue mobility, and thermodynamic stability) performed at Invitae indicates that this missense variant is expected to disrupt KCNQ1 protein function. This variant disrupts the p.Pro320 amino acid residue in KCNQ1. Other variant(s) that disrupt this residue have been determined to be pathogenic (PMID: 19540844, 22949429, 23392653; Invitae). This suggests that this residue is clinically significant, and that variants that disrupt this residue are likely to be disease-causing. In summary, the currently available evidence indicates that the variant is pathogenic, but additional data are needed to prove that conclusively. Therefore, this variant has been classified as Likely Pathogenic. ClinVar contains an entry for this variant (Variation ID: 2126605). This sequence change replaces proline, which is neutral and non-polar, with arginine, which is basic and polar, at codon 320 of the KCNQ1 protein (p.Pro320Arg). This variant is not present in population databases (gnomAD no frequency). This variant has not been reported in the literature in individuals affected with KCNQ1-related conditions.

Revvity Omics, Revvity
Classification: Uncertain significance. Last evaluated: 2020-12-09. Review status: criteria provided, single submitter. Criteria: ACMG Guidelines, 2015. Collection method: clinical testing. Allele origin: germline.

Literature cited by the submitters: PubMed 19540844 (cited by Labcorp Genetics (formerly Invitae), Labcorp); PubMed 22949429 (cited by Labcorp Genetics (formerly Invitae), Labcorp); PubMed 23392653 (cited by Labcorp Genetics (formerly Invitae), Labcorp).